The following is an entry in ClinVar:

ClinVar aggregate classification (germline): Uncertain significance. Review status: criteria provided, multiple submitters, no conflicts (2 of 4 stars). 2 submissions from 2 submitters: Uncertain significance (2). Last evaluated 2024-11-09.

Allele frequency attached by ClinVar (database versions not stated): gnomAD exomes below 0.00001 and 0.00001.
gnomAD v4.1: 1 of 1,546,094 alleles (0.000065%); highest among the groups gnomAD compares: Admixed American, 0.002%; no homozygotes.

Submissions (2):

Labcorp Genetics (formerly Invitae), Labcorp
Classification: Uncertain significance. Last evaluated: 2024-11-09. Review status: criteria provided, single submitter. Criteria: Invitae Variant Classification Sherloc (09022015). Collection method: clinical testing. Allele origin: germline.
Comment: This sequence change falls in intron 7 of the TANGO2 gene. It does not directly change the encoded amino acid sequence of the TANGO2 protein. It affects a nucleotide within the consensus splice site. This variant is present in population databases (no rsID available, gnomAD 0.004%). This variant has been observed in individual(s) with clinical features of TANGO2-related conditions (internal data). In at least one individual the data is consistent with being in trans (on the opposite chromosome) from a pathogenic variant. ClinVar contains an entry for this variant (Variation ID: 1391806). Variants that disrupt the consensus splice site are a relatively common cause of aberrant splicing (PMID: 17576681, 9536098). Algorithms developed to predict the effect of sequence changes on RNA splicing suggest that this variant may disrupt the consensus splice site. In summary, the available evidence is currently insufficient to determine the role of this variant in disease. Therefore, it has been classified as a Variant of Uncertain Significance.

Mayo Clinic Laboratories, Mayo Clinic
Classification: Uncertain significance. Last evaluated: 2022-06-13. Review status: criteria provided, single submitter. Criteria: ACMG Guidelines, 2015. Collection method: clinical testing. Allele origin: germline. Observed: 1 variant allele.
Comment: PM2, PM3

Literature cited by the submitters: PubMed 17576681 (cited by Labcorp Genetics (formerly Invitae), Labcorp); PubMed 9536098 (cited by Labcorp Genetics (formerly Invitae), Labcorp).

NM_152906.7(TANGO2):c.605+4A>C

Gene: TANGO2 (transport and golgi organization 2 homolog; plus strand). Cytogenetic location: 22q11.21.
Variant type: single nucleotide variant.
Coding change: c.605+4A>C on transcript NM_152906.7 (MANE Select); 4 bases into the intron after coding-DNA position 605, A replaced by C.
Molecular consequence: intron variant. On other transcripts: non-coding transcript variant (2).
Genome position (GRCh38, 1-based): chr22:20,061,687, A>C. VCF-style: chr22-20061687-A-C. GRCh37 (hg19) VCF-style: chr22-20049210-A-C.
Other names: c.605+4A>C (NM_001283106.3, NM_001322142.2, NM_001283116.3); c.419+4A>C (NM_001322163.2, NM_001283179.3, NM_001322167.2 and 2 more transcripts); c.311+4A>C (NM_001322174.2, NM_001322172.2, NM_001322175.2 and 6 more transcripts); c.501+6A>C (NM_001322160.2); c.728+4A>C (NM_001322143.2, NM_001322141.2, NM_001283129.3); c.542+4A>C (NM_001322145.2, NM_001322147.2); c.503+4A>C (NM_001322146.2, NM_001322148.2); c.603+6A>C (NM_001283154.3, NM_001283148.3); and 6 more.
Identifiers: ClinVar variation 1391806 (VCV001391806.6), dbSNP rs1423708403, ClinGen allele CA638380694.